The following is an entry in ClinVar:

ClinVar aggregate classification (germline): Uncertain significance (1 of 4 stars; one submission).

Conditions:
Hereditary cancer-predisposing syndrome. Also called: Neoplastic Syndromes, Hereditary; Tumor predisposition; Hereditary Cancer Syndrome; Hereditary neoplastic syndrome. Identifiers: Orphanet 140162, MedGen C0027672, MeSH D009386, MONDO:0015356.

Submission:

Ambry Genetics
Classification: Uncertain significance for Hereditary cancer-predisposing syndrome. Last evaluated: 2025-09-19. Review status: criteria provided, single submitter. Criteria: Ambry Variant Classification Scheme 2023. Collection method: clinical testing. Allele origin: germline.
Comment: The p.T198S variant (also known as c.592A>T), located in coding exon 5 of the RAD50 gene, results from an A to T substitution at nucleotide position 592. The threonine at codon 198 is replaced by serine, an amino acid with similar properties. This amino acid position is conserved. In addition, this alteration is predicted to be tolerated by in silico analysis. Based on the available evidence, the clinical significance of this variant remains unclear.

NM_005732.4(RAD50):c.592A>T (p.Thr198Ser)

Gene: RAD50 (RAD50 double strand break repair protein; plus strand). Cytogenetic location: 5q31.1.
Variant type: single nucleotide variant.
Coding change: c.592A>T on transcript NM_005732.4 (MANE Select); coding-DNA position 592, A replaced by T.
Protein change: p.Thr198Ser; replaces threonine 198 with serine.
Molecular consequence: missense variant.
Genome position (GRCh38, 1-based): chr5:132,579,902, A>T. VCF-style: chr5-132579902-A-T. GRCh37 (hg19) VCF-style: chr5-131915594-A-T.
Other names: short protein forms T198S.
Identifiers: ClinVar variation 4677779 (VCV004677779.1).
Genomic context (GRCh38, chr5:132,579,902, plus strand): 5'-TTTGTTTCATATCTTCAAAGATACATTAAAGCCTTAGAAACACTTCGGCAGGTACGTCAG[A>T]CACAAGGTCAGAAAGTAAAAGAATATCAAATGGAACTAAAATATCTGAAGCAATATAAGG-3'
Protein context (NP_005723.2, residues 188-208): ALETLRQVRQ[Thr198Ser]QGQKVKEYQM